The following is an entry in ClinVar:

ClinVar aggregate classification (germline): Uncertain significance (1 of 4 stars; one submission).

Conditions:
Spastic paraplegia. Identifiers: MedGen C0037772, HP:0001258.

Submission:

Labcorp Genetics (formerly Invitae), Labcorp
Classification: Uncertain significance for Spastic paraplegia. Last evaluated: 2023-10-08. Review status: criteria provided, single submitter. Criteria: Invitae Variant Classification Sherloc (09022015). Collection method: clinical testing. Allele origin: germline.
Comment: This sequence change creates a premature translational stop signal (p.Arg221Glufs*14) in the ZFYVE27 gene. It is expected to result in an absent or disrupted protein product. However, the current clinical and genetic evidence is not sufficient to establish whether loss-of-function variants in ZFYVE27 cause disease. This variant is not present in population databases (gnomAD no frequency). This variant has not been reported in the literature in individuals affected with ZFYVE27-related conditions. In summary, the available evidence is currently insufficient to determine the role of this variant in disease. Therefore, it has been classified as a Variant of Uncertain Significance.

NM_001385875.1(ZFYVE27):c.661del (p.Arg221fs)

Gene: ZFYVE27 (zinc finger FYVE-type containing 27; plus strand). Cytogenetic location: 10q24.2.
Variant type: Deletion.
Coding change: c.661del on transcript NM_001385875.1 (MANE Select); coding-DNA position 661, one base deleted (C; older notation c.661delC).
Protein change: p.Arg221fs; shifts the reading frame from arginine 221.
Molecular consequence: frameshift variant. On other transcripts: non-coding transcript variant (15), intron variant (1).
Genome position (GRCh38, 1-based): chr10:97,749,583, C deleted; the last of 2 consecutive C bases (chr10:97,749,582-97,749,583); deleting either gives the same sequence. VCF-style (leftmost placement, unchanged base first): chr10-97749581-TC-T. GRCh37 (hg19) VCF-style: chr10-99509338-TC-T.
Other names: c.661del, p.Arg221fs (NM_001002261.4, NM_001002262.4, NM_001385871.1 and 8 more transcripts); c.565del, p.Arg189fs (NM_001174119.2, NM_001385885.1, NM_001385886.1 and 3 more transcripts); c.403del, p.Arg135fs (NM_001174120.2, NM_001385901.1, NM_001385902.1 and 3 more transcripts); c.367del, p.Arg123fs (NM_001174121.2, NM_001385915.1); c.307del, p.Arg103fs (NM_001174122.2, NM_001385918.1); c.700del, p.Arg234fs (NM_001385876.1); c.625del, p.Arg209fs (NM_001385881.1); c.457del, p.Arg153fs (NM_001385890.1, NM_001385891.1, NM_001385892.1 and 6 more transcripts); and 4 more; short protein forms R135fs, R189fs, R234fs, R103fs, R142fs, R110fs, R123fs, R153fs.
Identifiers: ClinVar variation 2866910 (VCV002866910.3), dbSNP rs2540643073, ClinGen allele CA2574632878.
Genomic context (GRCh38, chr10:97,749,581, plus strand): 5'-CACTCTGCTGGGTTCTCACCCTTTTAAACAGCACGCTCTTTCTGGGGAATGTGGAGTTCT[TC>T]CGAGGTAAGCCCTGAAGGGCCTGAAAGATGGGGCCCAAGCTGGCTCTGAGGGCTAGGCTA-3'